The following is an entry in ClinVar:

NM_006393.3(NEBL):c.2725T>C (p.Cys909Arg)

Gene: NEBL (nebulette; minus strand). Cytogenetic location: 10p12.31.
Variant type: single nucleotide variant.
Coding change: c.2725T>C on transcript NM_006393.3 (MANE Select); coding-DNA position 2725, T replaced by C.
Protein change: p.Cys909Arg; replaces cysteine 909 with arginine.
Molecular consequence: missense variant. On other transcripts: intron variant (9).
Genome position (GRCh38, 1-based): chr10:20,808,546, A>G on the plus strand (T>C on the coding strand, the complement: NEBL is on the minus strand). VCF-style: chr10-20808546-A-G. GRCh37 (hg19) VCF-style: chr10-21097475-A-G.
Other names: c.421+4223T>C (NM_001377326.1, NM_001377327.1, NM_001377328.1); c.529+4223T>C (NM_213569.2, NM_001173484.2); c.622+1260T>C (NM_001377322.1); c.472+4223T>C (NM_001377324.1); c.463+4223T>C (NM_001377325.1); c.481+4223T>C (NM_001377323.1); short protein forms C909R.
Identifiers: ClinVar variation 2712277 (VCV002712277.4), dbSNP rs749985830, ClinGen allele CA204162217.

ClinVar aggregate classification (germline): Uncertain significance. Review status: criteria provided, multiple submitters, no conflicts (2 of 4 stars). 2 submissions from 2 submitters: Uncertain significance (2). Last evaluated 2023-11-30.

Conditions:
Primary dilated cardiomyopathy (DCM). Also called: Dilated Cardiomyopathy. Identifiers: Orphanet 217604, MedGen C0007193, MeSH D002311, MONDO:0005021, HP:0001644. Inheritance: Various modes of inheritance.

Allele frequency attached by ClinVar (database versions not stated): TOPMed below 0.00001; gnomAD 0.00001; gnomAD exomes 0.00001.
gnomAD v4.1: 16 of 1,613,930 alleles (0.00099%); highest among the groups gnomAD compares: Non-Finnish European, 0.0014%; no homozygotes.

Submissions (2):

Ambry Genetics
Classification: Uncertain significance. Last evaluated: 2023-11-30. Review status: criteria provided, single submitter. Criteria: Ambry Variant Classification Scheme 2023. Collection method: clinical testing. Allele origin: germline.
Comment: The p.C909R variant (also known as c.2725T>C), located in coding exon 26 of the NEBL gene, results from a T to C substitution at nucleotide position 2725. The cysteine at codon 909 is replaced by arginine, an amino acid with highly dissimilar properties. This amino acid position is conserved. In addition, this alteration is predicted to be tolerated by in silico analysis. Since supporting evidence is limited at this time, the clinical significance of this alteration remains unclear.

Labcorp Genetics (formerly Invitae), Labcorp
Classification: Uncertain significance for Primary dilated cardiomyopathy. Last evaluated: 2023-06-17. Review status: criteria provided, single submitter. Criteria: Invitae Variant Classification Sherloc (09022015). Collection method: clinical testing. Allele origin: germline.
Comment: This sequence change replaces cysteine, which is neutral and slightly polar, with arginine, which is basic and polar, at codon 909 of the NEBL protein (p.Cys909Arg). This variant is not present in population databases (gnomAD no frequency). This variant has not been reported in the literature in individuals affected with NEBL-related conditions. An algorithm developed to predict the effect of missense changes on protein structure and function (PolyPhen-2) suggests that this variant is likely to be tolerated. In summary, the available evidence is currently insufficient to determine the role of this variant in disease. Therefore, it has been classified as a Variant of Uncertain Significance.